The following is an entry in ClinVar:

NM_001365536.1(SCN9A):c.1072A>G (p.Met358Val)

Genes: SCN9A (sodium voltage-gated channel alpha subunit 9; minus strand), SCN1A-AS1 (SCN1A and SCN9A antisense RNA 1; plus strand). Cytogenetic location: 2q24.3.
Variant type: single nucleotide variant.
Coding change: c.1072A>G on transcript NM_001365536.1 (MANE Select); coding-DNA position 1072, A replaced by G.
Protein change: p.Met358Val; replaces methionine 358 with valine.
Molecular consequence: missense variant.
Genome position (GRCh38, 1-based): chr2:166,293,266, T>C on the plus strand (A>G on the coding strand, the complement: SCN9A is on the minus strand). VCF-style: chr2-166293266-T-C. GRCh37 (hg19) VCF-style: chr2-167149776-T-C.
Other names: c.1072A>G, p.Met358Val (NM_002977.4); short protein forms M358V.
Identifiers: ClinVar variation 639717 (VCV000639717.7), dbSNP rs1574883049, ClinGen allele CA349088909.
Genomic context (GRCh38, chr2:166,293,266, plus strand): 5'-AATGCATGTTTCTCTTGGTACTCACCTGTTGGTAAAGGTTTTCCCAGTAATCTTGGGTCA[T>C]TAGCCTAAACAAGGCTAAGAAGGCCCAGCTGAAAGTGTCAAAGCTCGTGTAGCCATAATC-3'
Protein context (NP_001352465.1, residues 348-368): SWAFLALFRL[Met358Val]TQDYWENLYQ

ClinVar aggregate classification (germline): Uncertain significance (1 of 4 stars; one submission).

Conditions:
Neuropathy, hereditary sensory and autonomic, type 2A (HSAN2A). Also called: ACROOSTEOLYSIS, GIACCAI TYPE; ACROOSTEOLYSIS, NEUROGENIC; WNK1-Related HSAN2 (HSAN2A); HSAN IIA; MORVAN DISEASE; NEUROPATHY, CONGENITAL SENSORY. Identifiers: Orphanet 970, MedGen C2752089, MONDO:0024309, OMIM 201300.
Generalized epilepsy with febrile seizures plus, type 7 (GEFSP7). Also called: GEFS+, TYPE 7. Identifiers: Orphanet 36387, MedGen C2751778, MONDO:0013470, OMIM 613863.

Allele frequency attached by ClinVar (database versions not stated): gnomAD exomes below 0.00001; TOPMed below 0.00001; gnomAD 0.00001.
gnomAD v4.1: 3 of 1,592,190 alleles (0.00019%); highest among the groups gnomAD compares: Non-Finnish European, 0.00026%; no homozygotes.

Submission:

Labcorp Genetics (formerly Invitae), Labcorp
Classification: Uncertain significance for Neuropathy, hereditary sensory and autonomic, type 2A; Generalized epilepsy with febrile seizures plus, type 7. Last evaluated: 2022-02-01. Review status: criteria provided, single submitter. Criteria: Invitae Variant Classification Sherloc (09022015). Collection method: clinical testing. Allele origin: germline.
Comment: ClinVar contains an entry for this variant (Variation ID: 639717). This variant has not been reported in the literature in individuals affected with SCN9A-related conditions. This variant is not present in population databases (gnomAD no frequency). This sequence change replaces methionine, which is neutral and non-polar, with valine, which is neutral and non-polar, at codon 358 of the SCN9A protein (p.Met358Val). In summary, the available evidence is currently insufficient to determine the role of this variant in disease. Therefore, it has been classified as a Variant of Uncertain Significance. Algorithms developed to predict the effect of missense changes on protein structure and function are either unavailable or do not agree on the potential impact of this missense change (SIFT: "Deleterious"; PolyPhen-2: "Probably Damaging"; Align-GVGD: "Class C15").